The following is an entry in ClinVar:

NC_000016.9:g.(?_89712474)_(89866066_?)del

Genes: CDK10 (cyclin dependent kinase 10; plus strand), CHMP1A (charged multivesicular body protein 1A; minus strand), FANCA (FA complementation group A; minus strand), SPATA2L (spermatogenesis associated 2 like; minus strand), SPATA33 (spermatogenesis associated 33; plus strand) and 2 more. Cytogenetic location: 16q24.3.
Variant type: Deletion.
Identifiers: ClinVar variation 2422419 (VCV002422419.4).

ClinVar aggregate classification (germline): Pathogenic (1 of 4 stars; one submission).

Conditions:
Fanconi anemia (FA). Also called: Fanconi's anemia. Identifiers: Orphanet 84, MedGen C0015625, MeSH D005199, MONDO:0019391.

Submission:

Labcorp Genetics (formerly Invitae), Labcorp
Classification: Pathogenic for Fanconi anemia. Last evaluated: 2022-06-13. Review status: criteria provided, single submitter. Criteria: Invitae Variant Classification Sherloc (09022015). Collection method: clinical testing. Allele origin: germline.
Comment: For these reasons, this variant has been classified as Pathogenic. This variant disrupts a region of the FANCA protein in which other variant(s) (p.Asp1429Asn) have been determined to be pathogenic (Invitae). This suggests that this is a clinically significant region of the protein, and that variants that disrupt it are likely to be disease-causing. This variant has not been reported in the literature in individuals affected with FANCA-related conditions. This variant is a gross deletion of the genomic region encompassing exon(s) 9-43 of the FANCA gene, which includes the termination codon. This deletion extends beyond the assayed region for this gene and therefore may encompass additional genes. While this deletion is not anticipated to lead to nonsense mediated decay, it is expected to alter mRNA translation or result in a truncated protein product.